The following is an entry in ClinVar:

ClinVar aggregate classification (germline): Likely benign (1 of 4 stars; one submission).

Submission:

CeGaT Center for Human Genetics Tuebingen
Classification: Likely benign. Last evaluated: 2024-12-01. Review status: criteria provided, single submitter. Criteria: CeGaT Center For Human Genetics Tuebingen Variant Classification Criteria Version 2. Collection method: clinical testing. Allele origin: germline. Affected: yes. Observed: 1 variant allele.
Comment: CDK19: BP4, BP7

NM_015076.5(CDK19):c.1224C>T (p.Thr408=)

Gene: CDK19 (cyclin dependent kinase 19; minus strand). Cytogenetic location: 6q21.
Variant type: single nucleotide variant.
Coding change: c.1224C>T on transcript NM_015076.5 (MANE Select); coding-DNA position 1224, C replaced by T.
Protein change: p.Thr408=; no amino-acid change (threonine 408 retained).
Molecular consequence: synonymous variant.
Genome position (GRCh38, 1-based): chr6:110,621,257, G>A on the plus strand (C>T on the coding strand, the complement: CDK19 is on the minus strand). VCF-style: chr6-110621257-G-A. GRCh37 (hg19) VCF-style: chr6-110942460-G-A.
Other names: c.1092C>T, p.Thr364= (NM_001300960.2); c.1044C>T, p.Thr348= (NM_001300963.2, NM_001300964.2).
Identifiers: ClinVar variation 3771299 (VCV003771299.13).